The following is an entry in ClinVar:

ClinVar aggregate classification (germline): Pathogenic. Review status: criteria provided, single submitter (1 of 4 stars). 3 submissions from 3 submitters: Pathogenic (1). 2 of the submissions do not count toward it. Last evaluated 2024-09-09.

Conditions:
Long QT syndrome (LQTS). Identifiers: MedGen C0023976, MeSH D008133, MONDO:0002442. Disease mechanism: loss of function. Inheritance: Various modes of inheritance.
Rippling muscle disease 2 (RMD2). Also called: CAV3-Related Rippling Muscle Disease; Limb-girdle muscular dystrophy, type 1C. Identifiers: Orphanet 265, MedGen C1832560, MONDO:0019947, OMIM 606072.

Submissions (3):

Labcorp Genetics (formerly Invitae), Labcorp
Classification: Pathogenic for Long QT syndrome. Last evaluated: 2024-09-09. Review status: criteria provided, single submitter. Criteria: Invitae Variant Classification Sherloc (09022015). Collection method: clinical testing. Allele origin: germline.
Comment: This sequence change replaces proline, which is neutral and non-polar, with leucine, which is neutral and non-polar, at codon 105 of the CAV3 protein (p.Pro105Leu). This variant is not present in population databases (gnomAD no frequency). This missense change has been observed in individuals with autosomal dominant limb-girdle muscular dystrophy and rippling muscle disease (PMID: 9537420, 11431690). It has also been observed to segregate with disease in related individuals. This variant is also known as P104L. ClinVar contains an entry for this variant (Variation ID: 8276). An algorithm developed to predict the effect of missense changes on protein structure and function (PolyPhen-2) suggests that this variant is likely to be disruptive. Experimental studies have shown that this missense change affects CAV3 function (PMID: 11431690, 18509671, 19238754, 21182936, 23640888, 28232187, 30153853). For these reasons, this variant has been classified as Pathogenic.

Leiden Muscular Dystrophy (CAV3)
No classification provided. Last evaluated: 2012-04-15. Review status: no classification provided. Collection method: curation. Allele origin: germline. Not counted in ClinVar's aggregate classification.

OMIM
Classification: Pathogenic for RIPPLING MUSCLE DISEASE 2. Last evaluated: 2005-01-01. Review status: no assertion criteria provided. Collection method: literature only. Allele origin: germline. Not counted in ClinVar's aggregate classification.

Literature cited by the submitters: PubMed 9537420 (cited by Labcorp Genetics (formerly Invitae), Labcorp and OMIM); PubMed 11431690 (cited by Labcorp Genetics (formerly Invitae), Labcorp and OMIM); PubMed 18509671 (cited by Labcorp Genetics (formerly Invitae), Labcorp); PubMed 19238754 (cited by Labcorp Genetics (formerly Invitae), Labcorp); PubMed 21182936 (cited by Labcorp Genetics (formerly Invitae), Labcorp); PubMed 23640888 (cited by Labcorp Genetics (formerly Invitae), Labcorp); PubMed 28232187 (cited by Labcorp Genetics (formerly Invitae), Labcorp); PubMed 30153853 (cited by Labcorp Genetics (formerly Invitae), Labcorp); PubMed 15580566 (cited by OMIM); PubMed 30055862 (cited by OMIM); PubMed 2705900 (cited by OMIM); PubMed 10464299 (cited by OMIM).

NM_033337.3(CAV3):c.314C>T (p.Pro105Leu)

Genes: CAV3 (caveolin 3; plus strand), OXTR (oxytocin receptor; minus strand). Cytogenetic location: 3p25.3.
Variant type: single nucleotide variant.
Coding change: c.314C>T on transcript NM_033337.3 (MANE Select); coding-DNA position 314, C replaced by T.
Protein change: p.Pro105Leu; replaces proline 105 with leucine.
Molecular consequence: missense variant.
Genome position (GRCh38, 1-based): chr3:8,745,725, C>T. VCF-style: chr3-8745725-C-T. GRCh37 (hg19) VCF-style: chr3-8787411-C-T.
Other names: c.314C>T, p.Pro105Leu (NM_001234.5); short protein forms P105L.
Identifiers: ClinVar variation 8276 (VCV000008276.7), dbSNP rs116840805, ClinGen allele CA119419.
Genomic context (GRCh38, chr3:8,745,725, plus strand): 5'-CCCTGCTCTGGGGCTTCCTGTTCGCCTGCATCTCCTTCTGCCACATCTGGGCGGTGGTGC[C>T]ATGCATTAAGAGCTACCTGATCGAGATCCAGTGCATCAGCCACATCTACTCACTCTGCAT-3'
Protein context (NP_203123.1, residues 95-115): ISFCHIWAVV[Pro105Leu]CIKSYLIEIQ